The following is an entry in ClinVar:

NM_016239.4(MYO15A):c.8138T>G (p.Leu2713Arg)

Gene: MYO15A (myosin XVA; plus strand). Cytogenetic location: 17p11.2.
Variant type: single nucleotide variant.
Coding change: c.8138T>G on transcript NM_016239.4 (MANE Select); coding-DNA position 8138, T replaced by G.
Protein change: p.Leu2713Arg; replaces leucine 2713 with arginine.
Molecular consequence: missense variant.
Genome position (GRCh38, 1-based): chr17:18,154,180, T>G. VCF-style: chr17-18154180-T-G. GRCh37 (hg19) VCF-style: chr17-18057494-T-G.
Other names: short protein forms L2713R.
Identifiers: ClinVar variation 4796518 (VCV004796518.1).

ClinVar aggregate classification (germline): Uncertain significance (1 of 4 stars; one submission).

Conditions:
Autosomal recessive nonsyndromic hearing loss 3. Also called: NEUROSENSORY NONSYNDROMIC RECESSIVE DEAFNESS 3. Identifiers: Orphanet 90636, MedGen C1838263, MONDO:0010860, OMIM 600316.

Submission:

Juno Genomics, Hangzhou Juno Genomics, Inc
Classification: Uncertain significance for Autosomal recessive nonsyndromic hearing loss 3. Review status: criteria provided, single submitter. Criteria: ACMG Guidelines, 2015. Collection method: clinical testing. Allele origin: germline. Affected: yes.
Comment: Absent from controls (or at extremely low frequency if recessive) in Genome Aggregation Database, Exome Sequencing Project, 1000 Genomes Project, or Exome Aggregation Consortium.;Multiple lines of computational evidence support a deleterious effect on the gene or gene product (conservation, evolutionary, splicing impact, etc).;For recessive disorders, detected in trans with a pathogenic variant.